The following is an entry in ClinVar:

NC_000013.10:g.(?_50108258)_(50141415_?)dup

Gene: RCBTB1 (RCC1 and BTB domain containing protein 1; minus strand). Cytogenetic location: 13q14.2.
Variant type: Duplication.
Identifiers: ClinVar variation 1447967 (VCV001447967.4).

ClinVar aggregate classification (germline): Uncertain significance (1 of 4 stars; one submission).

Submission:

Labcorp Genetics (formerly Invitae), Labcorp
Classification: Uncertain significance. Last evaluated: 2022-10-05. Review status: criteria provided, single submitter. Criteria: Invitae Variant Classification Sherloc (09022015). Collection method: clinical testing. Allele origin: germline.
Comment: A copy number gain of the genomic region encompassing the full coding sequence of the RCBTB1 gene has been identified. The boundaries of this event are unknown as they extend beyond the assayed region for this gene and therefore may encompass additional genes. As the precise location of this event is unknown, it may be in tandem or it may be located elsewhere in the genome. This variant has not been reported in the literature in individuals affected with RCBTB1-related conditions. Experimental studies and prediction algorithms are not available or were not evaluated, and the functional significance of this variant is currently unknown. In summary, the available evidence is currently insufficient to determine the role of this variant in disease. Therefore, it has been classified as a Variant of Uncertain Significance.